The following is an entry in ClinVar:

NM_002546.4(TNFRSF11B):c.1124T>G (p.Phe375Cys)

Gene: TNFRSF11B (TNF receptor superfamily member 11b; minus strand). Cytogenetic location: 8q24.12.
Variant type: single nucleotide variant.
Coding change: c.1124T>G on transcript NM_002546.4 (MANE Select); coding-DNA position 1124, T replaced by G.
Protein change: p.Phe375Cys; replaces phenylalanine 375 with cysteine.
Molecular consequence: missense variant.
Genome position (GRCh38, 1-based): chr8:118,924,456, A>C on the plus strand (T>G on the coding strand, the complement: TNFRSF11B is on the minus strand). VCF-style: chr8-118924456-A-C. GRCh37 (hg19) VCF-style: chr8-119936695-A-C.
Other names: short protein forms F375C.
Identifiers: ClinVar variation 4717832 (VCV004717832.1).

ClinVar aggregate classification (germline): Uncertain significance (1 of 4 stars; one submission).

Submission:

Labcorp Genetics (formerly Invitae), Labcorp
Classification: Uncertain significance. Last evaluated: 2025-05-09. Review status: criteria provided, single submitter. Criteria: Invitae Variant Classification Sherloc (09022015). Collection method: clinical testing. Allele origin: germline.
Comment: This sequence change replaces phenylalanine, which is neutral and non-polar, with cysteine, which is neutral and slightly polar, at codon 375 of the TNFRSF11B protein (p.Phe375Cys). This variant is not present in population databases (gnomAD no frequency). This variant has not been reported in the literature in individuals affected with TNFRSF11B-related conditions. An algorithm developed to predict the effect of missense changes on protein structure and function (PolyPhen-2) suggests that this variant is likely to be disruptive. In summary, the available evidence is currently insufficient to determine the role of this variant in disease. Therefore, it has been classified as a Variant of Uncertain Significance.